The following is an entry in ClinVar:

ClinVar aggregate classification (germline): Uncertain significance (1 of 4 stars; one submission).

Allele frequency attached by ClinVar (database versions not stated): gnomAD 0.00001; ExAC 0.00008; 1000 Genomes Project 30x 0.00016; 1000 Genomes Project 0.00020.
gnomAD v4.1: 33 of 1,614,114 alleles (0.002%); highest among the groups gnomAD compares: South Asian, 0.032%; no homozygotes.

Submission:

GeneDx
Classification: Uncertain significance. Last evaluated: 2022-03-12. Review status: criteria provided, single submitter. Criteria: GeneDx Variant Classification Process June 2021. Collection method: clinical testing. Allele origin: germline. Affected: yes.
Comment: In silico analysis supports that this missense variant has a deleterious effect on protein structure/function; Has not been previously published as pathogenic or benign to our knowledge

NM_020821.3(VPS13C):c.8500G>C (p.Val2834Leu)

Gene: VPS13C (vacuolar protein sorting 13 homolog C; minus strand). Cytogenetic location: 15q22.2.
Variant type: single nucleotide variant.
Coding change: c.8500G>C on transcript NM_020821.3 (MANE Select); coding-DNA position 8500, G replaced by C.
Protein change: p.Val2834Leu; replaces valine 2834 with leucine.
Molecular consequence: missense variant.
Genome position (GRCh38, 1-based): chr15:61,913,361, C>G on the plus strand (G>C on the coding strand, the complement: VPS13C is on the minus strand). VCF-style: chr15-61913361-C-G. GRCh37 (hg19) VCF-style: chr15-62205560-C-G.
Other names: c.8500G>C, p.Val2834Leu (NM_001018088.3); c.8371G>C, p.Val2791Leu (NM_017684.5, NM_018080.4); short protein forms V2791L, V2834L.
Identifiers: ClinVar variation 1704850 (VCV001704850.2), dbSNP rs577071462, ClinGen allele CA7594971.
Genomic context (GRCh38, chr15:61,913,361, plus strand): 5'-AGAATCTTACCAGGTACTCCATATTGTTGGCAGGACACTTCACACACCCATAACTTCCCA[C>G]TGTATCCAATGAGAAACTACTGGACCAGGCACTGGTTGAAATTTTTAATTGTACCTATAC-3'
Protein context (NP_065872.1, residues 2824-2844): AWSSSFSLDT[Val2834Leu]GSYGCVKCPA